The following is an entry in ClinVar:

ClinVar aggregate classification (germline): Benign. Review status: criteria provided, multiple submitters, no conflicts (2 of 4 stars). 2 submissions from 2 submitters: Benign (2). Last evaluated 2018-06-16.

Allele frequency attached by ClinVar (database versions not stated): gnomAD exomes 0.00460; gnomAD 0.02377 and 0.02492; TOPMed 0.02534; 1000 Genomes Project 0.03335; 1000 Genomes Project 30x 0.03482.
gnomAD v4.1: 7,701 of 1,010,396 alleles (0.76%); highest among the groups gnomAD compares: African/African-American, 7.4%; 220 homozygotes.

Submissions (2):

GeneDx
Classification: Benign. Last evaluated: 2018-06-16. Review status: criteria provided, single submitter. Criteria: GeneDx Variant Classification (06012015). Collection method: clinical testing. Allele origin: germline. Affected: yes.
Comment: This variant is considered likely benign or benign based on one or more of the following criteria: it is a conservative change, it occurs at a poorly conserved position in the protein, it is predicted to be benign by multiple in silico algorithms, and/or has population frequency not consistent with disease.

Breakthrough Genomics
Classification: Benign. Review status: criteria provided, single submitter. Criteria: ACMG Guidelines, 2015. Collection method: not provided. Allele origin: germline. Inheritance: Autosomal recessive inheritance. Affected: yes.

NM_145691.4(ATPAF2):c.616+103A>G

Gene: ATPAF2 (ATP synthase mitochondrial F1 complex assembly factor 2; minus strand). Cytogenetic location: 17p11.2.
Variant type: single nucleotide variant.
Coding change: c.616+103A>G on transcript NM_145691.4 (MANE Select); 103 bases into the intron after coding-DNA position 616, A replaced by G.
Molecular consequence: intron variant.
Genome position (GRCh38, 1-based): chr17:18,021,642, T>C on the plus strand (A>G on the coding strand, the complement: ATPAF2 is on the minus strand). VCF-style: chr17-18021642-T-C. GRCh37 (hg19) VCF-style: chr17-17924956-T-C.
Identifiers: ClinVar variation 676296 (VCV000676296.2), dbSNP rs8067146, ClinGen allele CA15899080.